The following is an entry in ClinVar:

NM_001329630.2(PLEKHA7):c.2017C>T (p.Arg673Trp)

Genes: PLEKHA7 (pleckstrin homology domain containing A7; minus strand), LOC126861150 (BRD4-independent group 4 enhancer GRCh37_chr11:16823697-16824896; plus strand). Cytogenetic location: 11p15.2.
Variant type: single nucleotide variant.
Coding change: c.2017C>T on transcript NM_001329630.2 (MANE Select); coding-DNA position 2017, C replaced by T.
Protein change: p.Arg673Trp; replaces arginine 673 with tryptophan.
Molecular consequence: missense variant.
Genome position (GRCh38, 1-based): chr11:16,803,286, G>A on the plus strand (C>T on the coding strand, the complement: PLEKHA7 is on the minus strand). VCF-style: chr11-16803286-G-A. GRCh37 (hg19) VCF-style: chr11-16824833-G-A.
Other names: c.2017C>T (NM_001329630.1); c.2017C>T, p.Arg673Trp (NM_001410960.1, NM_175058.5, NM_001329631.2); short protein forms R673W.
Identifiers: ClinVar variation 3934046 (VCV003934046.2).

ClinVar aggregate classification (germline): Uncertain significance. Review status: criteria provided, multiple submitters, no conflicts (2 of 4 stars). 2 submissions from 2 submitters: Uncertain significance (2). Last evaluated 2025-04-24.

Conditions:
PLEKHA7-related disorder. Also called: PLEKHA7-related condition.

gnomAD v4.1: 19 of 1,613,342 alleles (0.0012%); highest among the groups gnomAD compares: East Asian, 0.0045%; no homozygotes.

Submissions (2):

Ambry Genetics
Classification: Uncertain significance. Last evaluated: 2025-04-24. Review status: criteria provided, single submitter. Criteria: Ambry Variant Classification Scheme 2023. Collection method: clinical testing. Allele origin: germline.

PreventionGenetics, part of Exact Sciences
Classification: Uncertain significance for PLEKHA7-related condition. Last evaluated: 2025-03-11. Review status: criteria provided, single submitter. Criteria: ACMG Guidelines, 2015. Collection method: clinical testing. Allele origin: germline.
Comment: The PLEKHA7 c.2017C>T variant is predicted to result in the amino acid substitution p.Arg673Trp. To our knowledge, this variant has not been reported in the literature. This variant is reported in 0.0033% of alleles in individuals of South Asian descent in gnomAD. At this time, the clinical significance of this variant is uncertain due to the absence of conclusive functional and genetic evidence.